The following is an entry in ClinVar:

ClinVar aggregate classification (germline): Uncertain significance (1 of 4 stars; one submission).

Conditions:
Periodic fever-infantile enterocolitis-autoinflammatory syndrome. Also called: Autoinflammation with infantile enterocolitis. Identifiers: Orphanet 436166, MedGen C4015067, MONDO:0014472, OMIM 616050.
Familial cold autoinflammatory syndrome 4 (FCAS4). Identifiers: Orphanet 47045, Orphanet 576349, MedGen C4015276, MONDO:0014498, OMIM 616115.

Allele frequency attached by ClinVar (database versions not stated): TOPMed below 0.00001.

Submission:

Labcorp Genetics (formerly Invitae), Labcorp
Classification: Uncertain significance for Periodic fever-infantile enterocolitis-autoinflammatory syndrome; Familial cold autoinflammatory syndrome 4. Last evaluated: 2019-03-11. Review status: criteria provided, single submitter. Criteria: Invitae Variant Classification Sherloc (09022015). Collection method: clinical testing. Allele origin: germline.
Comment: In summary, the available evidence is currently insufficient to determine the role of this variant in disease. Therefore, it has been classified as a Variant of Uncertain Significance. Algorithms developed to predict the effect of missense changes on protein structure and function output the following: SIFT: "Tolerated"; PolyPhen-2: "Possibly Damaging"; Align-GVGD: "Class C0". The arginine amino acid residue is found in multiple mammalian species, suggesting that this missense change does not adversely affect protein function. These predictions have not been confirmed by published functional studies and their clinical significance is uncertain. This variant has not been reported in the literature in individuals with NLRC4-related conditions. This variant is not present in population databases (ExAC no frequency). This sequence change replaces cysteine with arginine at codon 42 of the NLRC4 protein (p.Cys42Arg). The cysteine residue is highly conserved and there is a large physicochemical difference between cysteine and arginine.

NM_001199138.2(NLRC4):c.124T>C (p.Cys42Arg)

Gene: NLRC4 (NLR family CARD domain containing 4; minus strand). Cytogenetic location: 2p22.3.
Variant type: single nucleotide variant.
Coding change: c.124T>C on transcript NM_001199138.2 (MANE Select); coding-DNA position 124, T replaced by C.
Protein change: p.Cys42Arg; replaces cysteine 42 with arginine.
Molecular consequence: missense variant.
Genome position (GRCh38, 1-based): chr2:32,252,557, A>G on the plus strand (T>C on the coding strand, the complement: NLRC4 is on the minus strand). VCF-style: chr2-32252557-A-G. GRCh37 (hg19) VCF-style: chr2-32477626-A-G.
Other names: c.124T>C, p.Cys42Arg (NM_001199139.2, NM_001302504.2, NM_021209.5); short protein forms C42R.
Identifiers: ClinVar variation 856200 (VCV000856200.9), dbSNP rs1348244052, ClinGen allele CA346516942.